The following is an entry in ClinVar:

NM_001378120.1(MBD5):c.4962+250A>C

Gene: MBD5 (methyl-CpG binding domain protein 5; plus strand). Cytogenetic location: 2q23.1.
Variant type: single nucleotide variant.
Coding change: c.4962+250A>C on transcript NM_001378120.1 (MANE Select); 250 bases into the intron after coding-DNA position 4962, A replaced by C.
Molecular consequence: intron variant.
Genome position (GRCh38, 1-based): chr2:148,490,844, A>C. VCF-style: chr2-148490844-A-C. GRCh37 (hg19) VCF-style: chr2-149248413-A-C.
Other names: c.4263+250A>C (NM_018328.5).
Identifiers: ClinVar variation 681018 (VCV000681018.1), dbSNP rs7574808, ClinGen allele CA57597617.

ClinVar aggregate classification (germline): Benign (1 of 4 stars; one submission).

Allele frequency attached by ClinVar (database versions not stated): gnomAD exomes 0.00325; gnomAD 0.02250 and 0.02409; TOPMed 0.02627; 1000 Genomes Project 0.02835; 1000 Genomes Project 30x 0.02920.
gnomAD v4.1: 4,624 of 509,976 alleles (0.91%); highest among the groups gnomAD compares: African/African-American, 7.6%; 164 homozygotes.

Submission:

GeneDx
Classification: Benign. Last evaluated: 2018-06-19. Review status: criteria provided, single submitter. Criteria: GeneDx Variant Classification (06012015). Collection method: clinical testing. Allele origin: germline. Affected: yes.
Comment: This variant is considered likely benign or benign based on one or more of the following criteria: it is a conservative change, it occurs at a poorly conserved position in the protein, it is predicted to be benign by multiple in silico algorithms, and/or has population frequency not consistent with disease.